The following is an entry in ClinVar:

ClinVar aggregate classification (germline): Uncertain significance (1 of 4 stars; one submission).

Conditions:
Inborn genetic diseases. Identifiers: MedGen C0950123, MeSH D030342.

gnomAD v4.1: 1 of 1,611,680 alleles (0.000062%); highest among the groups gnomAD compares: Non-Finnish European, 0.000085%; no homozygotes.

Submission:

Ambry Genetics
Classification: Uncertain significance for Inborn genetic diseases. Last evaluated: 2026-08-28. Review status: criteria provided, single submitter. Criteria: Ambry Variant Classification Scheme 2023. Collection method: clinical testing. Allele origin: germline.
Comment: The p.R1560K variant (also known as c.4679G>A), located in coding exon 1 of the SAMD9L gene, results from a G to A substitution at nucleotide position 4679. The arginine at codon 1560 is replaced by lysine, an amino acid with highly similar properties. This amino acid position is conserved. In addition, this alteration is predicted to be tolerated by in silico analysis. Based on the available evidence, the clinical significance of this variant remains unclear.

NM_152703.5(SAMD9L):c.4679G>A (p.Arg1560Lys)

Gene: SAMD9L (sterile alpha motif domain containing 9 like; minus strand). Cytogenetic location: 7q21.2.
Variant type: single nucleotide variant.
Coding change: c.4679G>A on transcript NM_152703.5 (MANE Select); coding-DNA position 4679, G replaced by A.
Protein change: p.Arg1560Lys; replaces arginine 1560 with lysine.
Molecular consequence: missense variant.
Genome position (GRCh38, 1-based): chr7:93,131,293, C>T on the plus strand (G>A on the coding strand, the complement: SAMD9L is on the minus strand). VCF-style: chr7-93131293-C-T. GRCh37 (hg19) VCF-style: chr7-92760606-C-T.
Other names: c.4679G>A, p.Arg1560Lys (NM_001303496.3, NM_001303497.3, NM_001303498.3 and 5 more transcripts); short protein forms R1560K.
Identifiers: ClinVar variation 5028972 (VCV005028972.1).
Genomic context (GRCh38, chr7:93,131,293, plus strand): 5'-TCATATGCCAGAGGGCCTTCAATGGAAAATCCTAGGTAGAAAGACACTCTTTCTATGTTC[C>T]TACCACTTCTGAGTGGACCTGAATAAACAGATATTACTGGTATTTTTATTTTTTCCTCTG-3'
Protein context (NP_689916.2, residues 1550-1570): SVYSGPLRSG[Arg1560Lys]NIERVSFYLG